The following is an entry in ClinVar:

ClinVar aggregate classification (germline): Uncertain significance (1 of 4 stars; one submission).

gnomAD v4.1: 37 of 1,612,930 alleles (0.0023%); highest among the groups gnomAD compares: Non-Finnish European, 0.003%; no homozygotes.

Submission:

GeneDx
Classification: Uncertain significance. Last evaluated: 2024-12-03. Review status: criteria provided, single submitter. Criteria: GeneDx Variant Classification Process June 2021. Collection method: clinical testing. Allele origin: germline. Affected: yes.
Comment: Not observed at significant frequency in large population cohorts (gnomAD); In silico analysis supports that this missense variant has a deleterious effect on protein structure/function; Has not been previously published as pathogenic or benign to our knowledge

NM_015721.3(GEMIN4):c.2696T>G (p.Leu899Arg)

Gene: GEMIN4 (gem nuclear organelle associated protein 4; minus strand). Cytogenetic location: 17p13.3.
Variant type: single nucleotide variant.
Coding change: c.2696T>G on transcript NM_015721.3 (MANE Select); coding-DNA position 2696, T replaced by G.
Protein change: p.Leu899Arg; replaces leucine 899 with arginine.
Molecular consequence: missense variant.
Genome position (GRCh38, 1-based): chr17:745,347, A>C on the plus strand (T>G on the coding strand, the complement: GEMIN4 is on the minus strand). VCF-style: chr17-745347-A-C. GRCh37 (hg19) VCF-style: chr17-648587-A-C.
Other names: short protein forms L899R.
Identifiers: ClinVar variation 3901556 (VCV003901556.1).